The following is an entry in ClinVar:

NM_152564.5(VPS13B):c.5334del (p.Arg1779fs)

Gene: VPS13B (vacuolar protein sorting 13 homolog B; plus strand). Cytogenetic location: 8q22.2.
Variant type: Deletion.
Coding change: c.5334del on transcript NM_152564.5 (MANE Select); coding-DNA position 5334, one base deleted (C; older notation c.5334delC).
Protein change: p.Arg1779fs; shifts the reading frame from arginine 1779.
Molecular consequence: frameshift variant.
Genome position (GRCh38, 1-based): chr8:99,641,924, C deleted. VCF-style (leftmost placement, unchanged base first): chr8-99641923-TC-T. GRCh37 (hg19) VCF-style: chr8-100654151-TC-T.
Other names: c.5409delC (NM_017890.4); c.5409del, p.Arg1804fs (NM_017890.5); short protein forms R1779fs, R1804fs.
Identifiers: ClinVar variation 371494 (VCV000371494.13), dbSNP rs763909903, ClinGen allele CA4823808.
Genomic context (GRCh38, chr8:99,641,923, plus strand): 5'-AAACCTCATCTCGCTACAGTGGTGCTCAGGATAGTGGAATTGGCAGTGACAGTGTTAAAA[TC>T]AGAATAGTGCAAATAGAGCAGCACAGTGGTGCCAGTCAGCATCGCATTGCCCGTCCCTCA-3'

ClinVar aggregate classification (germline): Pathogenic/Likely pathogenic. Review status: criteria provided, multiple submitters, no conflicts (2 of 4 stars). 5 submissions from 5 submitters: Pathogenic (2); Likely pathogenic (2). 1 of the submissions does not count toward it. Last evaluated 2026-01-11.

Conditions:
VPS13B-related disorder. Also called: VPS13B-related condition.
Cohen syndrome (COH1). Also called: Cutis verticis gyrata, retinitis pigmentosa, and sensorineural deafness; PEPPER SYNDROME. Identifiers: Orphanet 193, MedGen C0265223, MONDO:0008999, OMIM 216550.

Allele frequency attached by ClinVar (database versions not stated): gnomAD exomes below 0.00001 and 0.00002; TOPMed below 0.00001; ExAC 0.00001.

Submissions (5):

Labcorp Genetics (formerly Invitae), Labcorp
Classification: Pathogenic for Cohen syndrome. Last evaluated: 2026-01-11. Review status: criteria provided, single submitter. Criteria: Invitae Variant Classification Sherloc (09022015). Collection method: clinical testing. Allele origin: germline.
Comment: This sequence change creates a premature translational stop signal (p.Arg1804Glufs*2) in the VPS13B gene. It is expected to result in an absent or disrupted protein product. Loss-of-function variants in VPS13B are known to be pathogenic (PMID: 15141358, 16648375, 20461111). This variant is present in population databases (rs763909903, gnomAD 0.03%). This variant has not been reported in the literature in individuals affected with VPS13B-related conditions. ClinVar contains an entry for this variant (Variation ID: 371494). For these reasons, this variant has been classified as Pathogenic.

Natera, Inc.
Classification: Likely pathogenic for Cohen syndrome. Last evaluated: 2025-08-21. Review status: criteria provided, single submitter. Criteria: Natera Variant Classification Schema (03/2026). Collection method: clinical testing. Allele origin: germline.
Comment: The c.5409delC variant in VPS13B is a frameshift variant predicted to shift the reading frame beginning at codon 1804 and leads to a stop codon 2 codons downstream. This variant is expected to result in nonsense mediated decay, truncation, or a dysfunctional protein product. This variant is rare in the general population with a frequency below the threshold expected for the associated phenotype(s). Given the available evidence, this variant is classified as Likely Pathogenic.

3billion
Classification: Pathogenic for Cohen syndrome. Last evaluated: 2024-10-24. Review status: criteria provided, single submitter. Criteria: ACMG Guidelines, 2015. Collection method: clinical testing. Allele origin: germline. Affected: yes.
Comment: The variant is observed at an extremely low frequency in the gnomAD v4.1.0 dataset (total allele frequency: <0.001%). Predicted Consequence/Location: Frameshift: predicted to result in a loss or disruption of normal protein function through nonsense-mediated decay (NMD) or protein truncation. Multiple pathogenic variants are reported downstream of the variant. The variant has been reported at least twice as pathogenic with clinical assertions and evidence for the classification (ClinVar ID: VCV000371494). Therefore, this variant is classified as Pathogenic according to the recommendation of ACMG/AMP guideline.

Blueprint Genetics
Classification: Likely pathogenic for VPS13B-related disorders. Last evaluated: 2021-03-30. Review status: criteria provided, single submitter. Criteria: ACMG Guidelines, 2015. Collection method: clinical testing. Allele origin: germline. Affected: yes. Observed: 3 variant alleles.

Counsyl
Classification: Likely pathogenic for Cohen syndrome. Last evaluated: 2016-10-05. Review status: no assertion criteria provided. Collection method: clinical testing. Allele origin: unknown. Not counted in ClinVar's aggregate classification.

Literature cited by the submitters: PubMed 15141358 (cited by Labcorp Genetics (formerly Invitae), Labcorp); PubMed 16648375 (cited by Labcorp Genetics (formerly Invitae), Labcorp); PubMed 20461111 (cited by Labcorp Genetics (formerly Invitae), Labcorp).